The following is an entry in ClinVar:

NM_015559.3(SETBP1):c.1276G>T (p.Ala426Ser)

Gene: SETBP1 (SET binding protein 1; plus strand). Cytogenetic location: 18q12.3.
Variant type: single nucleotide variant.
Coding change: c.1276G>T on transcript NM_015559.3 (MANE Select); coding-DNA position 1276, G replaced by T.
Protein change: p.Ala426Ser; replaces alanine 426 with serine.
Molecular consequence: missense variant.
Genome position (GRCh38, 1-based): chr18:44,950,616, G>T. VCF-style: chr18-44950616-G-T. GRCh37 (hg19) VCF-style: chr18-42530581-G-T.
Other names: c.1276G>T, p.Ala426Ser (NM_001379141.1, NM_001379142.1, NM_001410862.1); short protein forms A426S.
Identifiers: ClinVar variation 2989191 (VCV002989191.4), dbSNP rs2511466949, ClinGen allele CA402318178.

ClinVar aggregate classification (germline): Uncertain significance. Review status: criteria provided, multiple submitters, no conflicts (2 of 4 stars). 2 submissions from 2 submitters: Uncertain significance (2). Last evaluated 2025-07-14.

gnomAD v4.1: 2 of 1,614,136 alleles (0.00012%); highest among the groups gnomAD compares: Non-Finnish European, 0.00017%; no homozygotes.

Submissions (2):

Women's Health and Genetics/Laboratory Corporation of America, LabCorp
Classification: Uncertain significance. Last evaluated: 2025-07-14. Review status: criteria provided, single submitter. Criteria: LabCorp Variant Classification Summary - May 2015. Collection method: clinical testing. Allele origin: germline.
Comment: Variant summary: SETBP1 c.1276G>T (p.Ala426Ser) results in a conservative amino acid change in the encoded protein sequence. Algorithms developed to predict the effect of missense changes on protein structure and function all suggest that this variant is likely to be tolerated. The variant was absent in 250432 control chromosomes. The available data on variant occurrences in the general population are insufficient to allow any conclusion about variant significance. To our knowledge, no occurrence of c.1276G>T in individuals affected with SETBP1-Related Disorders and no experimental evidence demonstrating its impact on protein function have been reported. ClinVar contains an entry for this variant (Variation ID: 2989191). Based on the evidence outlined above, the variant was classified as uncertain significance.

Labcorp Genetics (formerly Invitae), Labcorp
Classification: Uncertain significance. Last evaluated: 2023-02-09. Review status: criteria provided, single submitter. Criteria: Invitae Variant Classification Sherloc (09022015). Collection method: clinical testing. Allele origin: germline.
Comment: This variant has not been reported in the literature in individuals affected with SETBP1-related conditions. Advanced modeling of protein sequence and biophysical properties (such as structural, functional, and spatial information, amino acid conservation, physicochemical variation, residue mobility, and thermodynamic stability) performed at Invitae indicates that this missense variant is not expected to disrupt SETBP1 protein function. In summary, the available evidence is currently insufficient to determine the role of this variant in disease. Therefore, it has been classified as a Variant of Uncertain Significance. This variant is not present in population databases (gnomAD no frequency). This sequence change replaces alanine, which is neutral and non-polar, with serine, which is neutral and polar, at codon 426 of the SETBP1 protein (p.Ala426Ser).